The following is an entry in ClinVar:

ClinVar aggregate classification (germline): Uncertain significance (1 of 4 stars; one submission).

Conditions:
Hereditary nonpolyposis colorectal neoplasms. Identifiers: MedGen C0009405, MeSH D003123.

Submission:

Labcorp Genetics (formerly Invitae), Labcorp
Classification: Uncertain significance for Hereditary nonpolyposis colorectal neoplasms. Last evaluated: 2024-09-09. Review status: criteria provided, single submitter. Criteria: Invitae Variant Classification Sherloc (09022015). Collection method: clinical testing. Allele origin: germline.
Comment: This sequence change replaces arginine, which is basic and polar, with leucine, which is neutral and non-polar, at codon 495 of the MSH6 protein (p.Arg495Leu). This variant is not present in population databases (gnomAD no frequency). This variant has not been reported in the literature in individuals affected with MSH6-related conditions. Invitae Evidence Modeling of protein sequence and biophysical properties (such as structural, functional, and spatial information, amino acid conservation, physicochemical variation, residue mobility, and thermodynamic stability) has been performed for this missense variant. However, the output from this modeling did not meet the statistical confidence thresholds required to predict the impact of this variant on MSH6 protein function. In summary, the available evidence is currently insufficient to determine the role of this variant in disease. Therefore, it has been classified as a Variant of Uncertain Significance.

NM_000179.3(MSH6):c.1484G>T (p.Arg495Leu)

Gene: MSH6 (mutS homolog 6; plus strand). Cytogenetic location: 2p16.3.
Variant type: single nucleotide variant.
Coding change: c.1484G>T on transcript NM_000179.3 (MANE Select); coding-DNA position 1484, G replaced by T.
Protein change: p.Arg495Leu; replaces arginine 495 with leucine.
Molecular consequence: missense variant. On other transcripts: non-coding transcript variant (4), intron variant (1).
Genome position (GRCh38, 1-based): chr2:47,799,467, G>T. VCF-style: chr2-47799467-G-T. GRCh37 (hg19) VCF-style: chr2-48026606-G-T.
Other names: c.1094G>T, p.Arg365Leu (NM_001281492.2); c.578G>T, p.Arg193Leu (NM_001281493.2, NM_001281494.2, NM_001406811.1 and 6 more transcripts); c.1580G>T, p.Arg527Leu (NM_001406795.1, NM_001406802.1); c.1484G>T, p.Arg495Leu (NM_001406796.1, NM_001406798.1, NM_001406800.1 and 4 more transcripts); c.1187G>T, p.Arg396Leu (NM_001406797.1, NM_001406801.1, NM_001406805.1 and 10 more transcripts); c.959G>T, p.Arg320Leu (NM_001406799.1, NM_001406806.1, NM_001406807.1); c.1406G>T, p.Arg469Leu (NM_001406804.1); c.1490G>T, p.Arg497Leu (NM_001406813.1); and 2 more; short protein forms R469L, R495L, R497L, R365L, R396L, R193L, R320L, R439L.
Identifiers: ClinVar variation 3633931 (VCV003633931.2).